The following is an entry in ClinVar:

ClinVar aggregate classification (germline): Uncertain significance (1 of 4 stars; one submission).

Conditions:
Ullrich congenital muscular dystrophy 2 (UCMD2). Identifiers: Orphanet 75840, MedGen C4225314, MONDO:0014654, OMIM 616470.
Bethlem myopathy 2 (BTHLM2). Identifiers: Orphanet 536516, Orphanet 610, MedGen C4225313, MONDO:0034022, OMIM 616471.

Allele frequency attached by ClinVar (database versions not stated): gnomAD exomes below 0.00001.

Submission:

Labcorp Genetics (formerly Invitae), Labcorp
Classification: Uncertain significance for Bethlem myopathy 2; Ullrich congenital muscular dystrophy 2. Last evaluated: 2024-12-12. Review status: criteria provided, single submitter. Criteria: Invitae Variant Classification Sherloc (09022015). Collection method: clinical testing. Allele origin: germline.
Comment: This sequence change replaces methionine, which is neutral and non-polar, with isoleucine, which is neutral and non-polar, at codon 523 of the COL12A1 protein (p.Met523Ile). This variant is present in population databases (no rsID available, gnomAD 0.0009%). This variant has not been reported in the literature in individuals affected with COL12A1-related conditions. ClinVar contains an entry for this variant (Variation ID: 2937890). Invitae Evidence Modeling of protein sequence and biophysical properties (such as structural, functional, and spatial information, amino acid conservation, physicochemical variation, residue mobility, and thermodynamic stability) indicates that this missense variant is not expected to disrupt COL12A1 protein function with a negative predictive value of 80%. In summary, the available evidence is currently insufficient to determine the role of this variant in disease. Therefore, it has been classified as a Variant of Uncertain Significance.

NM_004370.6(COL12A1):c.1569G>T (p.Met523Ile)

Gene: COL12A1 (collagen type XII alpha 1 chain; minus strand). Cytogenetic location: 6q13.
Variant type: single nucleotide variant.
Coding change: c.1569G>T on transcript NM_004370.6 (MANE Select); coding-DNA position 1569, G replaced by T.
Protein change: p.Met523Ile; replaces methionine 523 with isoleucine.
Molecular consequence: missense variant. On other transcripts: intron variant (2).
Genome position (GRCh38, 1-based): chr6:75,183,372, C>A on the plus strand (G>T on the coding strand, the complement: COL12A1 is on the minus strand). VCF-style: chr6-75183372-C-A. GRCh37 (hg19) VCF-style: chr6-75893088-C-A.
Other names: c.1569G>T, p.Met523Ile (NM_001424113.1, NM_001424114.1, NM_001424115.1); c.73+19348G>T (NM_001424116.1, NM_080645.3); short protein forms M523I.
Identifiers: ClinVar variation 2937890 (VCV002937890.3), dbSNP rs1214461663, ClinGen allele CA364769623.
Genomic context (GRCh38, chr6:75,183,372, plus strand): 5'-CTTTGGCACATTGCTTCTTGATCCCTTGCTAGGCACAAATATTTTCTCTCTGACATAAGT[C>A]ATTGCTTTGCCAGTATTTGTAGATCCTCCTCTGTAAGGGAAGGTGTTTATTGCTTCAATT-3'
Protein context (NP_004361.3, residues 513-533): RGGSTNTGKA[Met523Ile]TYVREKIFVP